The following is an entry in ClinVar:

ClinVar aggregate classification (germline): Uncertain significance (1 of 4 stars; one submission).

Conditions:
Hereditary cancer-predisposing syndrome. Also called: Neoplastic Syndromes, Hereditary; Tumor predisposition; Hereditary neoplastic syndrome; Hereditary Cancer Syndrome. Identifiers: Orphanet 140162, MedGen C0027672, MeSH D009386, MONDO:0015356.

Submission:

Ambry Genetics
Classification: Uncertain significance for Hereditary cancer-predisposing syndrome. Last evaluated: 2026-07-06. Review status: criteria provided, single submitter. Criteria: Ambry Variant Classification Scheme 2023. Collection method: clinical testing. Allele origin: germline.
Comment: The p.P659T variant (also known as c.1975C>A), located in coding exon 15 of the SDHA gene, results from a C to A substitution at nucleotide position 1975. The proline at codon 659 is replaced by threonine, an amino acid with highly similar properties. This amino acid position is conserved. In addition, the in silico prediction for this alteration is inconclusive. Based on the available evidence, the clinical significance of this variant remains unclear.

NM_004168.4(SDHA):c.1975C>A (p.Pro659Thr)

Gene: SDHA (succinate dehydrogenase complex flavoprotein subunit A; plus strand). Cytogenetic location: 5p15.33.
Variant type: single nucleotide variant.
Coding change: c.1975C>A on transcript NM_004168.4 (MANE Select); coding-DNA position 1975, C replaced by A.
Protein change: p.Pro659Thr; replaces proline 659 with threonine.
Molecular consequence: missense variant.
Genome position (GRCh38, 1-based): chr5:256,400, C>A. VCF-style: chr5-256400-C-A. GRCh37 (hg19) VCF-style: chr5-256515-C-A.
Other names: c.1831C>A, p.Pro611Thr (NM_001294332.2); c.1732C>A, p.Pro578Thr (NM_001330758.2); short protein forms P578T, P659T, P611T.
Identifiers: ClinVar variation 5029185 (VCV005029185.1).